The following is an entry in ClinVar:

ClinVar aggregate classification (germline): Uncertain significance. Review status: criteria provided, multiple submitters, no conflicts (2 of 4 stars). 2 submissions from 2 submitters: Uncertain significance (2). Last evaluated 2024-10-01.

Conditions:
Inborn genetic diseases. Identifiers: MedGen C0950123, MeSH D030342.

Allele frequency attached by ClinVar (database versions not stated): gnomAD 0.00001 and 0.00002; TOPMed 0.00003; ESP Exome Variant Server 0.00008; 1000 Genomes Project 30x 0.00016; 1000 Genomes Project 0.00020.
gnomAD v4.1: 57 of 1,610,240 alleles (0.0035%); highest among the groups gnomAD compares: Non-Finnish European, 0.0044%; no homozygotes.

Submissions (2):

Ambry Genetics
Classification: Uncertain significance for Inborn genetic diseases. Last evaluated: 2024-10-01. Review status: criteria provided, single submitter. Criteria: Ambry Variant Classification Scheme 2023. Collection method: clinical testing. Allele origin: germline.

Labcorp Genetics (formerly Invitae), Labcorp
Classification: Uncertain significance. Last evaluated: 2024-02-24. Review status: criteria provided, single submitter. Criteria: Invitae Variant Classification Sherloc (09022015). Collection method: clinical testing. Allele origin: germline.
Comment: This sequence change replaces leucine, which is neutral and non-polar, with valine, which is neutral and non-polar, at codon 277 of the GNPAT protein (p.Leu277Val). This variant is present in population databases (rs200895293, gnomAD 0.006%). This variant has not been reported in the literature in individuals affected with GNPAT-related conditions. ClinVar contains an entry for this variant (Variation ID: 1445171). Advanced modeling of protein sequence and biophysical properties (such as structural, functional, and spatial information, amino acid conservation, physicochemical variation, residue mobility, and thermodynamic stability) performed at Invitae indicates that this missense variant is not expected to disrupt GNPAT protein function with a negative predictive value of 80%. In summary, the available evidence is currently insufficient to determine the role of this variant in disease. Therefore, it has been classified as a Variant of Uncertain Significance.

NM_014236.4(GNPAT):c.829C>G (p.Leu277Val)

Gene: GNPAT (glyceronephosphate O-acyltransferase; plus strand). Cytogenetic location: 1q42.2.
Variant type: single nucleotide variant.
Coding change: c.829C>G on transcript NM_014236.4 (MANE Select); coding-DNA position 829, C replaced by G.
Protein change: p.Leu277Val; replaces leucine 277 with valine.
Molecular consequence: missense variant.
Genome position (GRCh38, 1-based): chr1:231,266,070, C>G. VCF-style: chr1-231266070-C-G. GRCh37 (hg19) VCF-style: chr1-231401816-C-G.
Other names: c.646C>G, p.Leu216Val (NM_001316350.2); c.829C>G (NM_014236.3); short protein forms L277V, L216V.
Identifiers: ClinVar variation 1445171 (VCV001445171.8), dbSNP rs200895293, ClinGen allele CA1451894.